The following is an entry in ClinVar:

NM_014847.4(UBAP2L):c.391A>G (p.Ser131Gly)

Gene: UBAP2L (ubiquitin associated protein 2 like; plus strand). Cytogenetic location: 1q21.3.
Variant type: single nucleotide variant.
Coding change: c.391A>G on transcript NM_014847.4 (MANE Select); coding-DNA position 391, A replaced by G.
Protein change: p.Ser131Gly; replaces serine 131 with glycine.
Molecular consequence: missense variant.
Genome position (GRCh38, 1-based): chr1:154,234,702, A>G. VCF-style: chr1-154234702-A-G. GRCh37 (hg19) VCF-style: chr1-154207178-A-G.
Other names: c.391A>G, p.Ser131Gly (NM_001127320.3, NM_001287815.1, NM_001287816.1 and 20 more transcripts); short protein forms S131G.
Identifiers: ClinVar variation 3602300 (VCV003602300.1).
Genomic context (GRCh38, chr1:154,234,702, plus strand): 5'-GGTGGCCAGACGGAATCCAATGAGGAAGGCAAAGAAAATCGAGACCGGGACAGAGACTAT[A>G]GTCGGCGACGTGGTGGGCCACCAAGACGGGGGAGAGGTGCCAGCCGTGGACGAGAGTGTA-3'
Protein context (NP_055662.3, residues 121-141): KENRDRDRDY[Ser131Gly]RRRGGPPRRG

ClinVar aggregate classification (germline): Uncertain significance (1 of 4 stars; one submission).

gnomAD v4.1: 1 of 1,613,212 alleles (0.000062%); highest among the groups gnomAD compares: African/African-American, 0.0013%; no homozygotes.

Submission:

GeneDx
Classification: Uncertain significance. Last evaluated: 2024-07-24. Review status: criteria provided, single submitter. Criteria: GeneDx Variant Classification Process June 2021. Collection method: clinical testing. Allele origin: germline. Affected: yes.
Comment: Not observed at significant frequency in large population cohorts (gnomAD); In silico analysis supports that this missense variant has a deleterious effect on protein structure/function; Has not been previously published as pathogenic or benign to our knowledge